The following is an entry in ClinVar:

NM_000070.3(CAPN3):c.1915-298G>C

Gene: CAPN3 (calpain 3; plus strand). Cytogenetic location: 15q15.1.
Variant type: single nucleotide variant.
Coding change: c.1915-298G>C on transcript NM_000070.3 (MANE Select); 298 bases into the intron before coding-DNA position 1915, G replaced by C.
Molecular consequence: intron variant.
Genome position (GRCh38, 1-based): chr15:42,409,005, G>C. VCF-style: chr15-42409005-G-C. GRCh37 (hg19) VCF-style: chr15-42701203-G-C.
Other names: c.1897-298G>C (NM_024344.2); c.1639-298G>C (NM_173087.2); c.379-298G>C (NM_173088.2); c.-81-298G>C (NM_173090.2, NM_173089.2).
Identifiers: ClinVar variation 668059 (VCV000668059.2), dbSNP rs3115882, ClinGen allele CA14078410.

ClinVar aggregate classification (germline): Benign. Review status: criteria provided, multiple submitters, no conflicts (2 of 4 stars). 2 submissions from 2 submitters: Benign (2). Last evaluated 2018-06-14.

Allele frequency attached by ClinVar (database versions not stated): 1000 Genomes Project 0.57947; 1000 Genomes Project 30x 0.58198; gnomAD 0.61747 and 0.61918; TOPMed 0.61767; gnomAD exomes 0.62590.
gnomAD v4.1: 281,903 of 451,950 alleles (62%); highest among the groups gnomAD compares: Middle Eastern, 69%; 88,900 homozygotes.

Submissions (2):

GeneDx
Classification: Benign. Last evaluated: 2018-06-14. Review status: criteria provided, single submitter. Criteria: GeneDx Variant Classification (06012015). Collection method: clinical testing. Allele origin: germline. Affected: yes.
Comment: This variant is considered likely benign or benign based on one or more of the following criteria: it is a conservative change, it occurs at a poorly conserved position in the protein, it is predicted to be benign by multiple in silico algorithms, and/or has population frequency not consistent with disease.

Breakthrough Genomics
Classification: Benign. Review status: criteria provided, single submitter. Criteria: ACMG Guidelines, 2015. Collection method: not provided. Allele origin: germline. Inheritance: Autosomal recessive inheritance. Affected: yes.